The following is an entry in ClinVar:

NC_000016.9:g.(?_4847919)_(4852572_?)dup

Gene: ROGDI (rogdi atypical leucine zipper; minus strand). Cytogenetic location: 16p13.3.
Variant type: Duplication.
Identifiers: ClinVar variation 2426839 (VCV002426839.4).

ClinVar aggregate classification (germline): Uncertain significance (1 of 4 stars; one submission).

Conditions:
Amelocerebrohypohidrotic syndrome (KTZS). Also called: EPILEPSY AND YELLOW TEETH; EPILEPSY, DEMENTIA, AND AMELOGENESIS IMPERFECTA; Kohlschutter's syndrome; KOHLSCHUTTER SYNDROME. Identifiers: Orphanet 1946, MedGen C0406740, MONDO:0009185, OMIM 226750.

Submission:

Labcorp Genetics (formerly Invitae), Labcorp
Classification: Uncertain significance for Amelocerebrohypohidrotic syndrome. Last evaluated: 2022-02-02. Review status: criteria provided, single submitter. Criteria: Invitae Variant Classification Sherloc (09022015). Collection method: clinical testing. Allele origin: germline.
Comment: In summary, the available evidence is currently insufficient to determine the role of this variant in disease. Therefore, it has been classified as a Variant of Uncertain Significance. Experimental studies and prediction algorithms are not available or were not evaluated, and the functional significance of this variant is currently unknown. This variant has not been reported in the literature in individuals affected with ROGDI-related conditions. This variant results in a copy number gain of the genomic region encompassing exon(s) 1-9 of the ROGDI gene. This region includes the initiator codon of the gene. This copy number gain extends beyond the assayed region for this gene and therefore may encompass additional genes. As the precise location of this event is unknown, it may be in tandem or it may be located elsewhere in the genome.